The following is an entry in ClinVar:

NM_001182.5(ALDH7A1):c.373A>G (p.Ile125Val)

Gene: ALDH7A1 (aldehyde dehydrogenase 7 family member A1; minus strand). Cytogenetic location: 5q23.2.
Variant type: single nucleotide variant.
Coding change: c.373A>G on transcript NM_001182.5 (MANE Select); coding-DNA position 373, A replaced by G.
Protein change: p.Ile125Val; replaces isoleucine 125 with valine.
Molecular consequence: missense variant.
Genome position (GRCh38, 1-based): chr5:126,583,952, T>C on the plus strand (A>G on the coding strand, the complement: ALDH7A1 is on the minus strand). VCF-style: chr5-126583952-T-C. GRCh37 (hg19) VCF-style: chr5-125919644-T-C.
Other names: p.I125V:ATC>GTC; c.289A>G, p.Ile97Val (NM_001201377.2); c.373A>G, p.Ile125Val (NM_001202404.2); short protein forms I125V, I97V.
Identifiers: ClinVar variation 128348 (VCV000128348.32), dbSNP rs117295656, ClinGen allele CA288681.

ClinVar aggregate classification (germline): Benign/Likely benign. Review status: criteria provided, multiple submitters, no conflicts (2 of 4 stars). 9 submissions from 9 submitters: Benign (8); Likely benign (1). Last evaluated 2026-02-04.

Conditions:
Inborn genetic diseases. Identifiers: MedGen C0950123, MeSH D030342.
Pyridoxine-dependent epilepsy (EPEO4). Also called: Pyridoxine-Dependent Seizures; PYRIDOXINE DEPENDENCY WITH SEIZURES; Pyridoxine-Dependent Epilepsy - ALDH7A1; EPILEPSY, EARLY-ONSET, 4, VITAMIN B6-DEPENDENT. Identifiers: Orphanet 3006, MedGen C1849508, MONDO:0009945, OMIM 266100. Disease mechanism: loss of function.

Allele frequency attached by ClinVar (database versions not stated): gnomAD 0.00178 and 0.00144; gnomAD exomes 0.00367; 1000 Genomes Project 30x 0.00562; 1000 Genomes Project 0.00599; ESP Exome Variant Server 0.00031; ExAC 0.00307; TOPMed 0.00268.
gnomAD v4.1: 2,235 of 1,614,130 alleles (0.14%); highest among the groups gnomAD compares: East Asian, 2.9%; 29 homozygotes.

Submissions (9):

Labcorp Genetics (formerly Invitae), Labcorp
Classification: Benign for Pyridoxine-dependent epilepsy. Last evaluated: 2026-02-04. Review status: criteria provided, single submitter. Criteria: Invitae Variant Classification Sherloc (09022015). Collection method: clinical testing. Allele origin: germline.

Athena Diagnostics
Classification: Benign. Last evaluated: 2024-07-30. Review status: criteria provided, single submitter. Criteria: Athena Diagnostics Criteria. Collection method: clinical testing. Allele origin: unknown.

Genome-Nilou Lab
Classification: Benign for Pyridoxine-dependent epilepsy. Last evaluated: 2023-04-11. Review status: criteria provided, single submitter. Criteria: ACMG Guidelines, 2015. Collection method: clinical testing. Allele origin: germline. Affected: no.

Fulgent Genetics
Classification: Likely benign for Pyridoxine-dependent epilepsy. Last evaluated: 2022-04-04. Review status: criteria provided, single submitter. Criteria: ACMG Guidelines, 2015. Collection method: clinical testing. Allele origin: unknown.

Genetic Services Laboratory, University of Chicago
Classification: Benign. Last evaluated: 2018-11-19. Review status: criteria provided, single submitter. Criteria: ACMG Guidelines, 2015. Collection method: clinical testing. Allele origin: germline. Affected: no.

Illumina Laboratory Services, Illumina
Classification: Benign for Pyridoxine-dependent epilepsy. Last evaluated: 2018-01-13. Review status: criteria provided, single submitter. Criteria: ICSL Variant Classification Criteria 13 December 2019. Collection method: clinical testing. Allele origin: germline.
Comment: This variant was observed in the ICSL laboratory as part of a predisposition screen in an ostensibly healthy population. It had not been previously curated by ICSL or reported in the Human Gene Mutation Database (HGMD: prior to June 1st, 2018), and was therefore a candidate for classification through an automated scoring system. Utilizing variant allele frequency, disease prevalence and penetrance estimates, and inheritance mode, an automated score was calculated to assess if this variant is too frequent to cause the disease. Based on the score and internal cut-off values, a variant classified as benign is not then subjected to further curation. The score for this variant resulted in a classification of benign for this disease.

Ambry Genetics
Classification: Benign for Inborn genetic diseases. Last evaluated: 2016-09-01. Review status: criteria provided, single submitter. Criteria: Ambry Variant Classification Scheme 2023. Collection method: clinical testing. Allele origin: germline.

Eurofins Ntd Llc (ga)
Classification: Benign. Last evaluated: 2015-01-15. Review status: criteria provided, single submitter. Criteria: EGL Classification Definitions 2015. Collection method: clinical testing. Allele origin: germline. Observed: 1 variant allele, 1 heterozygote.

GeneDx
Classification: Benign. Last evaluated: 2012-06-06. Review status: criteria provided, single submitter. Criteria: GeneDx Variant Classification (06012015). Collection method: clinical testing. Allele origin: germline. Affected: yes.
Comment: This variant is considered likely benign or benign based on one or more of the following criteria: it is a conservative change, it occurs at a poorly conserved position in the protein, it is predicted to be benign by multiple in silico algorithms, and/or has population frequency not consistent with disease.